The following is an entry in ClinVar:

NM_000435.3(NOTCH3):c.1726G>A (p.Gly576Ser)

Gene: NOTCH3 (notch receptor 3; minus strand). Cytogenetic location: 19p13.12.
Variant type: single nucleotide variant.
Coding change: c.1726G>A on transcript NM_000435.3 (MANE Select); coding-DNA position 1726, G replaced by A.
Protein change: p.Gly576Ser; replaces glycine 576 with serine.
Molecular consequence: missense variant.
Genome position (GRCh38, 1-based): chr19:15,187,219, C>T on the plus strand (G>A on the coding strand, the complement: NOTCH3 is on the minus strand). VCF-style: chr19-15187219-C-T. GRCh37 (hg19) VCF-style: chr19-15298030-C-T.
Other names: short protein forms G576S.
Identifiers: ClinVar variation 3371065 (VCV003371065.1).
Genomic context (GRCh38, chr19:15,187,219, plus strand): 5'-TGCCGCCATGGCGGCAGGGCTGGCTGCGGCATTCGTCCACCTGGCTCTCGCAGCGTGTGC[C>T]CGTGTAGCCAGGAGCACAGGCACATGAGAAGCTGGCGATGCCATCCACGCAGCGACCATG-3'
Protein context (NP_000426.2, residues 566-586): FSCACAPGYT[Gly576Ser]TRCESQVDEC

ClinVar aggregate classification (germline): Uncertain significance (1 of 4 stars; one submission).

Submission:

GeneDx
Classification: Uncertain significance. Last evaluated: 2024-03-28. Review status: criteria provided, single submitter. Criteria: GeneDx Variant Classification Process June 2021. Collection method: clinical testing. Allele origin: germline. Affected: yes.
Comment: Not observed at significant frequency in large population cohorts (gnomAD); In silico analysis supports that this missense variant has a deleterious effect on protein structure/function; Has not been previously published as pathogenic or benign to our knowledge